The following is an entry in ClinVar:

NM_000276.4(OCRL):c.2341+1G>A

Gene: OCRL (OCRL inositol polyphosphate-5-phosphatase; plus strand). Cytogenetic location: Xq26.1.
Variant type: single nucleotide variant.
Coding change: c.2341+1G>A on transcript NM_000276.4 (MANE Select); the canonical splice donor site of the intron after coding-DNA position 2341, G replaced by A.
Molecular consequence: splice donor variant.
Genome position (GRCh38, 1-based): chrX:129,588,264, G>A. VCF-style: chrX-129588264-G-A. GRCh37 (hg19) VCF-style: chrX-128722241-G-A.
Other names: c.2344+1G>A (NM_001318784.2); c.2317+1G>A (NM_001587.4).
Identifiers: ClinVar variation 807815 (VCV000807815.42), dbSNP rs1602818783, ClinGen allele CA414630684.

ClinVar aggregate classification (germline): Pathogenic (1 of 4 stars; one submission).

Submission:

CeGaT Center for Human Genetics Tuebingen
Classification: Pathogenic. Last evaluated: 2024-10-01. Review status: criteria provided, single submitter. Criteria: CeGaT Center For Human Genetics Tuebingen Variant Classification Criteria Version 2. Collection method: clinical testing. Allele origin: germline. Affected: yes. Observed: 4 variant alleles.
Comment: OCRL: PVS1, PM2